The following is an entry in ClinVar:

ClinVar aggregate classification (germline): Uncertain significance (1 of 4 stars; one submission).

Submission:

Labcorp Genetics (formerly Invitae), Labcorp
Classification: Uncertain significance. Last evaluated: 2023-01-20. Review status: criteria provided, single submitter. Criteria: Invitae Variant Classification Sherloc (09022015). Collection method: clinical testing. Allele origin: germline.
Comment: In summary, the available evidence is currently insufficient to determine the role of this variant in disease. Therefore, it has been classified as a Variant of Uncertain Significance. Advanced modeling of protein sequence and biophysical properties (such as structural, functional, and spatial information, amino acid conservation, physicochemical variation, residue mobility, and thermodynamic stability) performed at Invitae indicates that this missense variant is not expected to disrupt CLTC protein function. This variant has not been reported in the literature in individuals affected with CLTC-related conditions. This variant is not present in population databases (gnomAD no frequency). This sequence change replaces proline, which is neutral and non-polar, with alanine, which is neutral and non-polar, at codon 476 of the CLTC protein (p.Pro476Ala).

NM_004859.4(CLTC):c.1414C>G (p.Pro472Ala)

Gene: CLTC (clathrin heavy chain; plus strand). Cytogenetic location: 17q23.1.
Variant type: single nucleotide variant.
Coding change: c.1414C>G on transcript NM_004859.4 (MANE Select); coding-DNA position 1414, C replaced by G.
Protein change: p.Pro472Ala; replaces proline 472 with alanine.
Molecular consequence: missense variant.
Genome position (GRCh38, 1-based): chr17:59,663,887, C>G. VCF-style: chr17-59663887-C-G. GRCh37 (hg19) VCF-style: chr17-57741248-C-G.
Other names: c.1426C>G, p.Pro476Ala (NM_001288653.2); short protein forms P476A, P472A.
Identifiers: ClinVar variation 2830547 (VCV002830547.3), dbSNP rs2509380912, ClinGen allele CA400425169.